The following is an entry in ClinVar:

NM_000059.4(BRCA2):c.8282C>G (p.Ser2761Cys)

Gene: BRCA2 (BRCA2 DNA repair associated; plus strand). Cytogenetic location: 13q13.1.
Variant type: single nucleotide variant.
Coding change: c.8282C>G on transcript NM_000059.4 (MANE Select); coding-DNA position 8282, C replaced by G.
Protein change: p.Ser2761Cys; replaces serine 2761 with cysteine.
Molecular consequence: missense variant.
Genome position (GRCh38, 1-based): chr13:32,363,484, C>G. VCF-style: chr13-32363484-C-G. GRCh37 (hg19) VCF-style: chr13-32937621-C-G.
Other names: 8510C>G; short protein forms S2761C.
Identifiers: ClinVar variation 96865 (VCV000096865.12), dbSNP rs431825363, ClinGen allele CA025548.

ClinVar aggregate classification (germline): Conflicting classifications of pathogenicity. Review status: criteria provided, conflicting classifications (1 of 4 stars). 4 submissions from 4 submitters: Uncertain significance (2); Likely benign (1). 1 of the submissions does not count toward it. Last evaluated 2025-05-08.

Conditions:
Hereditary cancer-predisposing syndrome. Also called: Hereditary Cancer Syndrome; Neoplastic Syndromes, Hereditary; Hereditary neoplastic syndrome; Tumor predisposition. Identifiers: Orphanet 140162, MedGen C0027672, MeSH D009386, MONDO:0015356.
Hereditary breast ovarian cancer syndrome. Also called: Breast and ovarian cancer; Hereditary breast and/or ovarian cancer syndrome; Hereditary breast and ovarian cancer; Hereditary breast and ovarian cancer syndrome; Hereditary breast and ovarian cancer syndrome (HBOC); BRCA1- and BRCA2-Associated Hereditary Breast and Ovarian Cancer. Identifiers: Orphanet 145, MedGen C0677776, MeSH D061325, MONDO:0003582. Disease mechanism: loss of function.
Breast-ovarian cancer, familial, susceptibility to, 2 (BROVCA2). Also called: BRCA2 Hereditary Breast and Ovarian Cancer. Identifiers: Orphanet 145, MedGen C2675520, MONDO:0012933, OMIM 612555. Disease mechanism: loss of function.

Submissions (4):

Ambry Genetics
Classification: Likely benign for Hereditary cancer-predisposing syndrome. Last evaluated: 2025-05-08. Review status: criteria provided, single submitter. Criteria: Ambry Variant Classification Scheme 2023. Collection method: clinical testing. Allele origin: germline.

Labcorp Genetics (formerly Invitae), Labcorp
Classification: Uncertain significance for Hereditary breast ovarian cancer syndrome. Last evaluated: 2023-10-25. Review status: criteria provided, single submitter. Criteria: Invitae Variant Classification Sherloc (09022015). Collection method: clinical testing. Allele origin: germline.
Comment: This sequence change replaces serine, which is neutral and polar, with cysteine, which is neutral and slightly polar, at codon 2761 of the BRCA2 protein (p.Ser2761Cys). This variant is not present in population databases (gnomAD no frequency). This variant has not been reported in the literature in individuals affected with BRCA2-related conditions. ClinVar contains an entry for this variant (Variation ID: 96865). Advanced modeling of protein sequence and biophysical properties (such as structural, functional, and spatial information, amino acid conservation, physicochemical variation, residue mobility, and thermodynamic stability) performed at Invitae indicates that this missense variant is not expected to disrupt BRCA2 protein function with a negative predictive value of 95%. In summary, the available evidence is currently insufficient to determine the role of this variant in disease. Therefore, it has been classified as a Variant of Uncertain Significance.

Color Diagnostics, LLC DBA Color Health
Classification: Uncertain significance for Hereditary cancer-predisposing syndrome. Last evaluated: 2020-10-05. Review status: criteria provided, single submitter. Criteria: ACMG Guidelines, 2015. Collection method: clinical testing. Allele origin: germline.
Comment: This missense variant replaces serine with cysteine at codon 2761 of the BRCA2 protein. Computational prediction is inconclusive regarding the impact of this variant on protein structure and function (internally defined REVEL score threshold 0.5 < inconclusive < 0.7, PMID: 27666373). To our knowledge, functional studies have not been reported for this variant. This variant has not been reported in individuals affected with hereditary cancer in the literature. This variant has not been identified in the general population by the Genome Aggregation Database (gnomAD). The available evidence is insufficient to determine the role of this variant in disease conclusively. Therefore, this variant is classified as a Variant of Uncertain Significance.

Sharing Clinical Reports Project (SCRP)
Classification: Uncertain significance for Breast-ovarian cancer, familial 2. Last evaluated: 2012-05-01. Review status: no assertion criteria provided. Collection method: clinical testing. Allele origin: germline. Not counted in ClinVar's aggregate classification.